The following is an entry in ClinVar:

NM_001042492.3(NF1):c.7457+1G>A

Gene: NF1 (neurofibromin 1; plus strand). Cytogenetic location: 17q11.2.
Variant type: single nucleotide variant.
Coding change: c.7457+1G>A on transcript NM_001042492.3 (MANE Select); the canonical splice donor site of the intron after coding-DNA position 7457, G replaced by A.
Molecular consequence: splice donor variant.
Genome position (GRCh38, 1-based): chr17:31,350,319, G>A. VCF-style: chr17-31350319-G-A. GRCh37 (hg19) VCF-style: chr17-29677337-G-A.
Other names: c.7394+1G>A (NM_000267.4).
Identifiers: ClinVar variation 1066702 (VCV001066702.5), dbSNP rs2151574698, ClinGen allele CA399017230.

ClinVar aggregate classification (germline): Uncertain significance (1 of 4 stars; one submission).

Conditions:
Neurofibromatosis, type 1 (NF1). Also called: VON RECKLINGHAUSEN DISEASE; Peripheral type neurofibromatosis; NEUROFIBROMATOSIS, TYPE I, SOMATIC; Neurofibromatosis, type I. Identifiers: Orphanet 636, MedGen C0027831, MONDO:0018975, OMIM 162200. Disease mechanism: loss of function.

Submission:

Labcorp Genetics (formerly Invitae), Labcorp
Classification: Uncertain significance for Neurofibromatosis, type 1. Last evaluated: 2025-06-05. Review status: criteria provided, single submitter. Criteria: Invitae Variant Classification Sherloc (09022015). Collection method: clinical testing. Allele origin: germline.
Comment: This sequence change affects a donor splice site in intron 49 of the NF1 gene. It is expected to disrupt RNA splicing. Variants that disrupt the donor or acceptor splice site typically lead to a loss of protein function (PMID: 16199547), and loss-of-function variants in NF1 are known to be pathogenic (PMID: 10712197, 23913538). This variant is not present in population databases (gnomAD no frequency). This variant has not been reported in the literature in individuals affected with NF1-related conditions. ClinVar contains an entry for this variant (Variation ID: 1066702). Studies have shown that disruption of this splice site is associated with inconclusive levels of altered splicing (internal RNA data). In summary, the available evidence is currently insufficient to determine the role of this variant in disease. Therefore, it has been classified as a Variant of Uncertain Significance.

Literature cited by the submitters: PubMed 16199547; PubMed 10712197; PubMed 23913538.